The following is an entry in ClinVar:

ClinVar aggregate classification (germline): Uncertain significance. Review status: criteria provided, multiple submitters, no conflicts (2 of 4 stars). 2 submissions from 2 submitters: Uncertain significance (2). Last evaluated 2025-04-10.

Conditions:
Inborn genetic diseases. Identifiers: MedGen C0950123, MeSH D030342.

Allele frequency attached by ClinVar (database versions not stated): ESP Exome Variant Server 0.00008.
gnomAD v4.1: 20 of 1,613,970 alleles (0.0012%); highest among the groups gnomAD compares: South Asian, 0.0066%; no homozygotes.

Submissions (2):

GeneDx
Classification: Uncertain significance. Last evaluated: 2025-04-10. Review status: criteria provided, single submitter. Criteria: GeneDx Variant Classification Process June 2021. Collection method: clinical testing. Allele origin: germline. Affected: yes.
Comment: In silico analysis indicates that this missense variant does not alter protein structure/function; Has not been previously published as pathogenic or benign to our knowledge

Ambry Genetics
Classification: Uncertain significance for Inborn genetic diseases. Last evaluated: 2023-01-06. Review status: criteria provided, single submitter. Criteria: Ambry Variant Classification Scheme 2023. Collection method: clinical testing. Allele origin: germline.

NM_000875.5(IGF1R):c.800A>G (p.Asn267Ser)

Gene: IGF1R (insulin like growth factor 1 receptor; plus strand). Cytogenetic location: 15q26.3.
Variant type: single nucleotide variant.
Coding change: c.800A>G on transcript NM_000875.5 (MANE Select); coding-DNA position 800, A replaced by G.
Protein change: p.Asn267Ser; replaces asparagine 267 with serine.
Molecular consequence: missense variant.
Genome position (GRCh38, 1-based): chr15:98,891,484, A>G. VCF-style: chr15-98891484-A-G. GRCh37 (hg19) VCF-style: chr15-99434713-A-G.
Other names: c.800A>G, p.Asn267Ser (NM_001291858.2); short protein forms N267S.
Identifiers: ClinVar variation 2474114 (VCV002474114.3), dbSNP rs200681134, ClinGen allele CA7751907.
Genomic context (GRCh38, chr15:98,891,484, plus strand): 5'-CCTGTGTAGCTTGCCGCCACTACTACTATGCCGGTGTCTGTGTGCCTGCCTGCCCGCCCA[A>G]CACCTACAGGTTTGAGGGCTGGCGCTGTGTGGACCGTGACTTCTGCGCCAACATCCTCAG-3'
Protein context (NP_000866.1, residues 257-277): AGVCVPACPP[Asn267Ser]TYRFEGWRCV